The following is an entry in ClinVar:

ClinVar aggregate classification (germline): Likely benign (1 of 4 stars; one submission).

Allele frequency attached by ClinVar (database versions not stated): 1000 Genomes Project 30x 0.00203; 1000 Genomes Project 0.00240; TOPMed 0.00517; ESP Exome Variant Server 0.00609; gnomAD 0.00691; gnomAD exomes 0.00822; ExAC 0.00995.
gnomAD v4.1: 12,542 of 1,552,242 alleles (0.81%); highest among the groups gnomAD compares: Middle Eastern, 1.5%; 84 homozygotes.

Submission:

CeGaT Center for Human Genetics Tuebingen
Classification: Likely benign. Last evaluated: 2022-10-01. Review status: criteria provided, single submitter. Criteria: CeGaT Center For Human Genetics Tuebingen Variant Classification Criteria Version 2. Collection method: clinical testing. Allele origin: germline. Affected: yes. Observed: 1 variant allele.
Comment: C8orf58: BP4, BS2

NM_001013842.3(C8orf58):c.661C>T (p.Pro221Ser)

Gene: C8orf58 (chromosome 8 open reading frame 58; plus strand). Cytogenetic location: 8p21.3.
Variant type: single nucleotide variant.
Coding change: c.661C>T on transcript NM_001013842.3 (MANE Select); coding-DNA position 661, C replaced by T.
Protein change: p.Pro221Ser; replaces proline 221 with serine.
Molecular consequence: missense variant.
Genome position (GRCh38, 1-based): chr8:22,601,975, C>T. VCF-style: chr8-22601975-C-T. GRCh37 (hg19) VCF-style: chr8-22459488-C-T.
Other names: c.661C>T, p.Pro221Ser (NM_001198827.2, NM_173686.3); short protein forms P221S.
Identifiers: ClinVar variation 2658470 (VCV002658470.24), dbSNP rs147403979, ClinGen allele CA4669900.